The following is an entry in ClinVar:

ClinVar aggregate classification (germline): Conflicting classifications of pathogenicity. Review status: criteria provided, conflicting classifications (1 of 4 stars). 10 submissions from 10 submitters: Uncertain significance (8); Likely benign (2). Last evaluated 2026-03-27.

Conditions:
Ataxia-telangiectasia-like disorder (ATLD). Identifiers: MedGen C1858391, MONDO:0011457.
Hereditary cancer-predisposing syndrome. Also called: Tumor predisposition; Neoplastic Syndromes, Hereditary; Hereditary Cancer Syndrome; Hereditary neoplastic syndrome. Identifiers: Orphanet 140162, MedGen C0027672, MeSH D009386, MONDO:0015356.
Ataxia-telangiectasia-like disorder 1 (ATLD1). Identifiers: Orphanet 251347, MedGen C4012790, MONDO:0024557, OMIM 604391.

Allele frequency attached by ClinVar (database versions not stated): ExAC 0.00009; TOPMed 0.00015; ESP Exome Variant Server 0.00015; gnomAD exomes 0.00031 and 0.00008; gnomAD 0.00016.
gnomAD v4.1: 472 of 1,613,974 alleles (0.029%); highest among the groups gnomAD compares: Non-Finnish European, 0.039%; no homozygotes.

Submissions (10):

GeneDx
Classification: Uncertain significance. Last evaluated: 2026-03-27. Review status: criteria provided, single submitter. Criteria: GeneDx Variant Classification Process June 2021. Collection method: clinical testing. Allele origin: germline.
Comment: In silico analysis suggests that this missense variant does not alter protein structure/function; Has not been previously published as pathogenic or benign to our knowledge

Labcorp Genetics (formerly Invitae), Labcorp
Classification: Likely benign for Ataxia-telangiectasia-like disorder. Last evaluated: 2026-01-19. Review status: criteria provided, single submitter. Criteria: Invitae Variant Classification Sherloc (09022015). Collection method: clinical testing. Allele origin: germline.

Quest Diagnostics Nichols Institute San Juan Capistrano
Classification: Uncertain significance. Last evaluated: 2025-05-13. Review status: criteria provided, single submitter. Criteria: Quest Diagnostics criteria. Collection method: clinical testing. Allele origin: unknown.

Ambry Genetics
Classification: Uncertain significance for Hereditary cancer-predisposing syndrome. Last evaluated: 2024-11-12. Review status: criteria provided, single submitter. Criteria: Ambry Variant Classification Scheme 2023. Collection method: clinical testing. Allele origin: germline.
Comment: The p.I548T variant (also known as c.1643T>C), located in coding exon 14 of the MRE11A gene, results from a T to C substitution at nucleotide position 1643. The isoleucine at codon 548 is replaced by threonine, an amino acid with similar properties. This amino acid position is not well conserved in available vertebrate species. In addition, this alteration is predicted to be tolerated by in silico analysis. Based on the available evidence, the clinical significance of this variant remains unclear.

Baylor Genetics
Classification: Uncertain significance for Ataxia-telangiectasia-like disorder 1. Last evaluated: 2024-03-13. Review status: criteria provided, single submitter. Criteria: ACMG Guidelines, 2015. Collection method: clinical testing. Allele origin: unknown. Study: CSER-TexasKidsCanSeq.

Women's Health and Genetics/Laboratory Corporation of America, LabCorp
Classification: Likely benign. Last evaluated: 2023-07-21. Review status: criteria provided, single submitter. Criteria: LabCorp Variant Classification Summary - May 2015. Collection method: clinical testing. Allele origin: germline.
Comment: Variant summary: MRE11 c.1643T>C (p.Ile548Thr) results in a non-conservative amino acid change in the encoded protein sequence. Four of five in-silico tools predict a benign effect of the variant on protein function. The variant allele was found at a frequency of 8e-05 in 251232 control chromosomes. The observed variant frequency is approximately 1.3 fold of the estimated maximal expected allele frequency for a pathogenic variant in MRE11 causing Hereditary Breast And Ovarian Cancer Syndrome phenotype (6.3e-05), strongly suggesting that the variant is benign. c.1643T>C has been reported in the literature as a VUS in settings of multigene panel testing in at least one individual with a personal and/or family history of cancer reportedly tested negative on routine BRCA analysis (e.g., Nunziato_2022). However, this report does not provide unequivocal conclusions about association of the variant with Hereditary Breast And Ovarian Cancer Syndrome. To our knowledge, no experimental evidence demonstrating an impact on protein function has been reported. The following publication have been ascertained in the context of this evaluation (PMID: 36035419). Seven submitters have cited clinical-significance assessments for this variant to ClinVar after 2014. Six submitters classifieid it as a variant of uncertain significance, while one submitter classified it as likely benign. Based on the evidence outlined above, the variant was classified as likely benign.

Athena Diagnostics
Classification: Uncertain significance. Last evaluated: 2023-06-19. Review status: criteria provided, single submitter. Criteria: Athena Diagnostics Criteria. Collection method: clinical testing. Allele origin: unknown.
Comment: Available data are insufficient to determine the clinical significance of the variant at this time. The frequency of this variant in the general population is uninformative in assessment of its pathogenicity. Computational tools predict that this variant is not damaging.

Sema4
Classification: Uncertain significance for Hereditary cancer-predisposing syndrome. Last evaluated: 2021-05-17. Review status: criteria provided, single submitter. Criteria: Sema4 Curation Guidelines. Collection method: curation. Allele origin: germline.
Comment: The MRE11 c.1643T>C (p.I548T) variant has been reported in heterozygosity in numerous individuals with breast cancer as well as healthy controls (PMID: 33471991). It was observed in 24/128966 chromosomes of the Non-Finnish European subpopulation, with no homozygotes, in the large and broad cohorts of the Genome Aggregation Database. The variant has been reported in ClinVar (Variation ID 142542). In silico tools suggest the impact of the variant on protein function is benign, though these predictions have not been confirmed by functional studies. The evidence is insufficient to meet ACMG/AMP criteria for classifying the variant as benign or pathogenic. Thus, the clinical significance of this variant is currently uncertain.

Center for Genomics, Ann and Robert H. Lurie Children's Hospital of Chicago
Classification: Uncertain significance for Ataxia-telangiectasia-like disorder 1. Last evaluated: 2021-03-30. Review status: criteria provided, single submitter. Criteria: ACMG Guidelines, 2015. Collection method: clinical testing. Allele origin: germline.
Comment: MRE11 NM_005591.3 exon 15 p.Ile548Thr (c.1643T>C): This variant has not been reported in the literature but is present in 0.01% (24/128966) of European alleles in the Genome Aggregation Database. This variant is present in ClinVar (Variation ID:142542). Evolutionary conservation and computational predictive tools suggest that this variant may not impact the protein. In summary, data on this variant is insufficient for disease classification. Therefore, the clinical significance of this variant is uncertain.

Illumina Laboratory Services, Illumina
Classification: Uncertain significance for Ataxia-telangiectasia-like disorder 1. Last evaluated: 2018-01-13. Review status: criteria provided, single submitter. Criteria: ICSL Variant Classification Criteria 13 December 2019. Collection method: clinical testing. Allele origin: germline.

Literature cited by the submitters: PubMed 36035419 (cited by Women's Health and Genetics/Laboratory Corporation of America, LabCorp and Athena Diagnostics); PubMed 33471991 (cited by Athena Diagnostics and Sema4).

NM_005591.4(MRE11):c.1643T>C (p.Ile548Thr)

Gene: MRE11 (MRE11 double strand break repair nuclease; minus strand). Cytogenetic location: 11q21.
Variant type: single nucleotide variant.
Coding change: c.1643T>C on transcript NM_005591.4 (MANE Select); coding-DNA position 1643, T replaced by C.
Protein change: p.Ile548Thr; replaces isoleucine 548 with threonine.
Molecular consequence: missense variant.
Genome position (GRCh38, 1-based): chr11:94,447,359, A>G on the plus strand (T>C on the coding strand, the complement: MRE11 is on the minus strand). VCF-style: chr11-94447359-A-G. GRCh37 (hg19) VCF-style: chr11-94180525-A-G.
Other names: c.1643T>C, p.Ile548Thr (NM_001330347.2, NM_005590.4); short protein forms I548T.
Identifiers: ClinVar variation 142542 (VCV000142542.32), dbSNP rs373522639, ClinGen allele CA333272.
Genomic context (GRCh38, chr11:94,447,359, plus strand): 5'-TTGTTGGTTGCTGCTGAGATGCTATCATCAGAGTCATTAGCCATCTGTTCTGCTAAATCT[A>G]TACTCATAAGGTCATCAGCACTAAAGGCAGAAGCAGACTCCTCTGACTGAGATCTGAGTG-3'
Protein context (NP_005582.1, residues 538-558): SAFSADDLMS[Ile548Thr]DLAEQMANDS